The following is an entry in ClinVar:

ClinVar aggregate classification (germline): Conflicting classifications of pathogenicity. Review status: criteria provided, conflicting classifications (1 of 4 stars). 4 submissions from 4 submitters: Uncertain significance (1); Likely benign (2). 1 of the submissions does not count toward it. Last evaluated 2025-06-09.

Conditions:
DCDC2-related disorder. Also called: DCDC2-related condition.
Autosomal recessive nonsyndromic hearing loss 66 (DFNB66). Also called: Deafness, autosomal recessive 66. Identifiers: Orphanet 90636, MedGen C1857750, MONDO:0012442, OMIM 610212.
Isolated neonatal sclerosing cholangitis (NSC). Also called: Sclerosing cholangitis, neonatal. Identifiers: Orphanet 480556, MedGen C4479344, MONDO:0018816, OMIM 617394.

Allele frequency attached by ClinVar (database versions not stated): gnomAD 0.00010 and 0.00011; TOPMed 0.00014; gnomAD exomes 0.00016 and 0.00021; ExAC 0.00028; ESP Exome Variant Server 0.00038.
gnomAD v4.1: 249 of 1,611,620 alleles (0.015%); highest among the groups gnomAD compares: Non-Finnish European, 0.021%; no homozygotes.

Submissions (4):

GeneDx
Classification: Uncertain significance. Last evaluated: 2025-06-09. Review status: criteria provided, single submitter. Criteria: GeneDx Variant Classification Process June 2021. Collection method: clinical testing. Allele origin: germline.
Comment: In silico analysis suggests that this variant does not alter splicing; Has not been previously published as pathogenic or benign to our knowledge

Blueprint Genetics
Classification: Likely benign. Last evaluated: 2024-10-07. Review status: criteria provided, single submitter. Criteria: ACMG Guidelines, 2015. Collection method: clinical testing. Allele origin: germline.

Labcorp Genetics (formerly Invitae), Labcorp
Classification: Likely benign for Autosomal recessive nonsyndromic hearing loss 66; Isolated neonatal sclerosing cholangitis. Last evaluated: 2024-09-30. Review status: criteria provided, single submitter. Criteria: Invitae Variant Classification Sherloc (09022015). Collection method: clinical testing. Allele origin: germline.

PreventionGenetics, part of Exact Sciences
Classification: Likely benign for DCDC2-related condition. Last evaluated: 2023-10-20. Review status: no assertion criteria provided. Collection method: clinical testing. Allele origin: germline. Not counted in ClinVar's aggregate classification.
Comment: This variant is classified as likely benign based on ACMG/AMP sequence variant interpretation guidelines (Richards et al. 2015 PMID: 25741868, with internal and published modifications).

NM_016356.5(DCDC2):c.750T>G (p.Ser250=)

Gene: DCDC2 (doublecortin domain containing 2; minus strand). Cytogenetic location: 6p22.3.
Variant type: single nucleotide variant.
Coding change: c.750T>G on transcript NM_016356.5 (MANE Select); coding-DNA position 750, T replaced by G.
Protein change: p.Ser250=; no amino-acid change (serine 250 retained).
Molecular consequence: synonymous variant.
Genome position (GRCh38, 1-based): chr6:24,288,861, A>C on the plus strand (T>G on the coding strand, the complement: DCDC2 is on the minus strand). VCF-style: chr6-24288861-A-C. GRCh37 (hg19) VCF-style: chr6-24289089-A-C.
Other names: c.750T>G, p.Ser250= (NM_001195610.2).
Identifiers: ClinVar variation 767488 (VCV000767488.14), dbSNP rs372157851, ClinGen allele CA3654667.
Genomic context (GRCh38, chr6:24,288,861, plus strand): 5'-TGTATCATATAAAAATATAGAACATCAACGAGGAAAGCATCTGATACTTACACTCCCTTT[A>C]GACTTTCTGGATCCTACAATAGGAGGTAGTGAAGAAGCTTTCTGACTGTGGAAACAAATT-3'
Protein context (NP_057440.2, residues 240-260): SLPPIVGSRK[Ser250=]KGSGNDRHSK